The following is an entry in ClinVar:

NM_007194.4(CHEK2):c.429_444+4del

Gene: CHEK2 (checkpoint kinase 2; minus strand). Cytogenetic location: 22q12.1.
Variant type: Deletion.
Coding change: c.429_444+4del on transcript NM_007194.4 (MANE Select); coding-DNA position 429 through 4 bases into the intron after coding-DNA position 444, 20 bases deleted (CTTTCGGATTTTCAGGGTAG).
Molecular consequence: splice donor variant.
Genome position (GRCh38, 1-based): chr22:28,725,239-28,725,258, CTACCCTGAAAATCCGAAAG deleted on the plus strand (CTTTCGGATTTTCAGGGTAG on the coding strand, the reverse complement: CHEK2 is on the minus strand). VCF-style (leftmost placement, unchanged base first): chr22-28725238-CCTACCCTGAAAATCCGAAAG-C. GRCh37 (hg19) VCF-style: chr22-29121226-CCTACCCTGAAAATCCGAAAG-C.
Other names: c.-235_-220+4del (NM_001437942.1); c.429_444+4del (NM_001349956.3, NM_145862.3); c.-349_-334+4del (NM_001257387.3); c.522_537+4del (NM_001438295.1, NM_001438293.1); c.558_573+4del (NM_001438294.1, NM_001005735.3).
Identifiers: ClinVar variation 2583302 (VCV002583302.2), dbSNP rs2518057651, ClinGen allele CA2582342794.
Genomic context (GRCh38, chr22:28,725,238, plus strand): 5'-GAAAATATCTAAAAACAATGACCAAATTACCAGCTCTCCTAGATACATGGGTATTCATTA[CCTACCCTGAAAATCCGAAAG>C]TGTTTCTTGCTGTATGTTCGGTATTTATCTGTTCTTTTCAGCAGTGGTTCATCAAAGCAA-3'

ClinVar aggregate classification (germline): Likely pathogenic (1 of 4 stars; one submission).

Conditions:
Familial cancer of breast. Also called: Hereditary breast cancer; BREAST CANCER, FAMILIAL; hereditary breast carcinoma. Identifiers: Orphanet 227535, MedGen C0346153, MONDO:0016419, OMIM 114480. Disease mechanism: loss of function.

Submission:

Myriad Genetics, Inc.
Classification: Likely pathogenic for Familial cancer of breast. Last evaluated: 2023-06-23. Review status: criteria provided, single submitter. Criteria: Myriad Autosomal Dominant, Autosomal Recessive and X-Linked Classification Criteria (2023). Collection method: clinical testing. Allele origin: unknown.
Comment: This variant is considered likely pathogenic. This variant occurs within a consensus splice junction and is predicted to result in abnormal mRNA splicing of either an out-of-frame exon or an in-frame exon necessary for protein stability and/or normal function.